The following is an entry in ClinVar:

NM_207122.2(EXT2):c.1025T>A (p.Val342Asp)

Gene: EXT2 (exostosin glycosyltransferase 2; plus strand). Cytogenetic location: 11p11.2.
Variant type: single nucleotide variant.
Coding change: c.1025T>A on transcript NM_207122.2 (MANE Select); coding-DNA position 1025, T replaced by A.
Protein change: p.Val342Asp; replaces valine 342 with aspartic acid.
Molecular consequence: missense variant.
Genome position (GRCh38, 1-based): chr11:44,126,901, T>A. VCF-style: chr11-44126901-T-A. GRCh37 (hg19) VCF-style: chr11-44148451-T-A.
Other names: c.1025T>A, p.Val342Asp (NM_001389628.1, NM_001389630.1, NM_001178083.3); c.1124T>A, p.Val375Asp (NM_000401.3); short protein forms V375D, V342D.
Identifiers: ClinVar variation 4699146 (VCV004699146.1).

ClinVar aggregate classification (germline): Uncertain significance (1 of 4 stars; one submission).

Conditions:
Exostoses, multiple, type 2 (EXT2). Also called: Hereditary Multiple Osteochondromatosis, Type II; EXOSTOSES, MULTIPLE, TYPE II. Identifiers: Orphanet 321, MedGen C1851413, MONDO:0007586, OMIM 133701.

gnomAD v4.1: 3 of 1,614,200 alleles (0.00019%); highest among the groups gnomAD compares: Non-Finnish European, 0.00025%; no homozygotes.

Submission:

Labcorp Genetics (formerly Invitae), Labcorp
Classification: Uncertain significance for Exostoses, multiple, type 2. Last evaluated: 2026-01-12. Review status: criteria provided, single submitter. Criteria: Invitae Variant Classification Sherloc (09022015). Collection method: clinical testing. Allele origin: germline.
Comment: This sequence change replaces valine, which is neutral and non-polar, with aspartic acid, which is acidic and polar, at codon 342 of the EXT2 protein (p.Val342Asp). This variant is not present in population databases (gnomAD no frequency). This variant has not been reported in the literature in individuals affected with EXT2-related conditions. Invitae Evidence Modeling of protein sequence and biophysical properties (such as structural, functional, and spatial information, amino acid conservation, physicochemical variation, residue mobility, and thermodynamic stability) has been performed for this missense variant. However, the output from this modeling did not meet the statistical confidence thresholds required to predict the impact of this variant on EXT2 protein function. In summary, the available evidence is currently insufficient to determine the role of this variant in disease. Therefore, it has been classified as a Variant of Uncertain Significance.